The following is an entry in ClinVar:

ClinVar aggregate classification (germline): Likely benign (0 of 4 stars; one submission).

Conditions:
PEX1-related disorder. Also called: PEX1-related condition.

Submission:

PreventionGenetics, part of Exact Sciences
Classification: Likely benign for PEX1-related condition. Last evaluated: 2023-12-27. Review status: no assertion criteria provided. Collection method: clinical testing. Allele origin: germline.
Comment: This variant is classified as likely benign based on ACMG/AMP sequence variant interpretation guidelines (Richards et al. 2015 PMID: 25741868, with internal and published modifications).

NM_000466.3(PEX1):c.1587A>G (p.Gln529=)

Gene: PEX1 (peroxisomal biogenesis factor 1; minus strand). Cytogenetic location: 7q21.2.
Variant type: single nucleotide variant.
Coding change: c.1587A>G on transcript NM_000466.3 (MANE Select); coding-DNA position 1587, A replaced by G.
Protein change: p.Gln529=; no amino-acid change (glutamine 529 retained).
Molecular consequence: synonymous variant.
Genome position (GRCh38, 1-based): chr7:92,510,944, T>C on the plus strand (A>G on the coding strand, the complement: PEX1 is on the minus strand). VCF-style: chr7-92510944-T-C. GRCh37 (hg19) VCF-style: chr7-92140258-T-C.
Other names: c.1587A>G, p.Gln529= (NM_001282677.2); c.963A>G, p.Gln321= (NM_001282678.2).
Identifiers: ClinVar variation 3039078 (VCV003039078.2), dbSNP rs2484685600, ClinGen allele CA456483688.